The following is an entry in ClinVar:

NM_032830.3(UTP4):c.1816A>G (p.Ile606Val)

Gene: UTP4 (UTP4 small subunit processome component). Cytogenetic location: 16q22.1.
Variant type: single nucleotide variant.
Coding change: c.1816A>G on transcript NM_032830.3 (MANE Select); coding-DNA position 1816, A replaced by G.
Protein change: p.Ile606Val; replaces isoleucine 606 with valine.
Molecular consequence: missense variant.
Genome position (GRCh38, 1-based): chr16:69,165,509, A>G. VCF-style: chr16-69165509-A-G. GRCh37 (hg19) VCF-style: chr16-69199412-A-G.
Other names: c.1567A>G, p.Ile523Val (NM_001318391.2); short protein forms I523V, I606V.
Identifiers: ClinVar variation 4986883 (VCV004986883.1).

ClinVar aggregate classification (germline): Uncertain significance (1 of 4 stars; one submission).

Conditions:
UTP4-related disorder. Also called: UTP4-related condition.

gnomAD v4.1: 7 of 1,614,104 alleles (0.00043%); highest among the groups gnomAD compares: Non-Finnish European, 0.00059%; 1 homozygote.

Submission:

PreventionGenetics, part of Exact Sciences
Classification: Uncertain significance for UTP4-related condition. Last evaluated: 2026-06-04. Review status: criteria provided, single submitter. Criteria: ACMG Guidelines, 2015. Collection method: clinical testing. Allele origin: germline.
Comment: The UTP4 c.1816A>G variant is predicted to result in the amino acid substitution p.Ile606Val. To our knowledge, this variant has not been reported in the literature or in a large population database (gnomAD), indicating this variant is rare. At this time, the clinical significance of this variant is uncertain due to the absence of conclusive functional and genetic evidence.